The following is an entry in ClinVar:

NM_015015.3(KDM4B):c.3115-4G>A

Gene: KDM4B (lysine demethylase 4B; plus strand). Cytogenetic location: 19p13.3.
Variant type: single nucleotide variant.
Coding change: c.3115-4G>A on transcript NM_015015.3 (MANE Select); 4 bases into the intron before coding-DNA position 3115, G replaced by A.
Molecular consequence: intron variant.
Genome position (GRCh38, 1-based): chr19:5,151,331, G>A. VCF-style: chr19-5151331-G-A. GRCh37 (hg19) VCF-style: chr19-5151342-G-A.
Other names: c.3217-4G>A (NM_001411148.1).
Identifiers: ClinVar variation 4533567 (VCV004533567.6).

ClinVar aggregate classification (germline): Likely benign (1 of 4 stars; one submission).

gnomAD v4.1: 588 of 1,535,266 alleles (0.038%); highest among the groups gnomAD compares: South Asian, 0.6%; 4 homozygotes.

Submission:

CeGaT Center for Human Genetics Tuebingen
Classification: Likely benign. Last evaluated: 2026-07-01. Review status: criteria provided, single submitter. Criteria: CeGaT Center For Human Genetics Tuebingen Variant Classification Criteria Version 2. Collection method: clinical testing. Allele origin: germline. Affected: yes. Observed: 2 variant alleles.
Comment: KDM4B: BP4, BS1